The following is an entry in ClinVar:

ClinVar aggregate classification (germline): Uncertain significance (1 of 4 stars; one submission).

Conditions:
Autosomal recessive polycystic kidney disease (ARPKD). Also called: AR polycystic kidney disease. Identifiers: Orphanet 731, Orphanet 8378, MedGen C0085548, MeSH D017044, MONDO:0009889.

Allele frequency attached by ClinVar (database versions not stated): gnomAD exomes below 0.00001 and 0.00001; ExAC 0.00002.
gnomAD v4.1: 5 of 1,613,094 alleles (0.00031%); highest among the groups gnomAD compares: Admixed American, 0.005%; no homozygotes.

Submission:

Labcorp Genetics (formerly Invitae), Labcorp
Classification: Uncertain significance for Autosomal recessive polycystic kidney disease. Last evaluated: 2021-12-14. Review status: criteria provided, single submitter. Criteria: Invitae Variant Classification Sherloc (09022015). Collection method: clinical testing. Allele origin: germline.
Comment: This sequence change replaces lysine, which is basic and polar, with arginine, which is basic and polar, at codon 241 of the PKHD1 protein (p.Lys241Arg). This variant is present in population databases (rs763591478, gnomAD 0.009%). This variant has not been reported in the literature in individuals affected with PKHD1-related conditions. Advanced modeling of protein sequence and biophysical properties (such as structural, functional, and spatial information, amino acid conservation, physicochemical variation, residue mobility, and thermodynamic stability) performed at Invitae indicates that this missense variant is not expected to disrupt PKHD1 protein function. Algorithms developed to predict the effect of sequence changes on RNA splicing suggest that this variant may create or strengthen a splice site. In summary, the available evidence is currently insufficient to determine the role of this variant in disease. Therefore, it has been classified as a Variant of Uncertain Significance.

NM_138694.4(PKHD1):c.722A>G (p.Lys241Arg)

Gene: PKHD1 (PKHD1 ciliary IPT domain containing fibrocystin/polyductin; minus strand). Cytogenetic location: 6p12.2.
Variant type: single nucleotide variant.
Coding change: c.722A>G on transcript NM_138694.4 (MANE Select); coding-DNA position 722, A replaced by G.
Protein change: p.Lys241Arg; replaces lysine 241 with arginine.
Molecular consequence: missense variant.
Genome position (GRCh38, 1-based): chr6:52,069,513, T>C on the plus strand (A>G on the coding strand, the complement: PKHD1 is on the minus strand). VCF-style: chr6-52069513-T-C. GRCh37 (hg19) VCF-style: chr6-51934311-T-C.
Other names: c.722A>G, p.Lys241Arg (NM_170724.3); short protein forms K241R.
Identifiers: ClinVar variation 1404102 (VCV001404102.3), dbSNP rs763591478, ClinGen allele CA3853791.